The following is an entry in ClinVar:

ClinVar aggregate classification (germline): Pathogenic. Review status: criteria provided, multiple submitters, no conflicts (2 of 4 stars). 6 submissions from 6 submitters: Pathogenic (5). 1 of the submissions does not count toward it. Last evaluated 2026-03-01.

Conditions:
Alstrom syndrome (ALMS). Identifiers: Orphanet 64, MedGen C0268425, MONDO:0008763, OMIM 203800.
ALMS1-related disorder. Also called: ALMS1-related condition.

Submissions (6):

CeGaT Center for Human Genetics Tuebingen
Classification: Pathogenic. Last evaluated: 2026-03-01. Review status: criteria provided, single submitter. Criteria: CeGaT Center For Human Genetics Tuebingen Variant Classification Criteria Version 2. Collection method: clinical testing. Allele origin: germline. Affected: yes. Observed: 1 variant allele.
Comment: ALMS1: PVS1, PM2, PM3

GeneDx
Classification: Pathogenic. Last evaluated: 2024-12-17. Review status: criteria provided, single submitter. Criteria: GeneDx Variant Classification Process June 2021. Collection method: clinical testing. Allele origin: germline. Affected: yes.
Comment: A variant resulting in the same protein change (c.10568_10569delAT) has been reported in a patient with Alstrom syndrome who also harbors an additional frameshift variant in the ALMS1 gene (PMID: 17594715). Information regarding phase on the two variants was not provided.; Frameshift variant predicted to result in protein truncation or nonsense mediated decay in a gene for which loss of function is a known mechanism of disease; Not observed at significant frequency in large population cohorts (gnomAD); This variant is associated with the following publications: (PMID: 17594715)

Labcorp Genetics (formerly Invitae), Labcorp
Classification: Pathogenic for Alstrom syndrome. Last evaluated: 2024-02-18. Review status: criteria provided, single submitter. Criteria: Invitae Variant Classification Sherloc (09022015). Collection method: clinical testing. Allele origin: germline.
Comment: This sequence change creates a premature translational stop signal (p.His3523Glnfs*17) in the ALMS1 gene. It is expected to result in an absent or disrupted protein product. Loss-of-function variants in ALMS1 are known to be pathogenic (PMID: 17594715). This variant is present in population databases (no rsID available, gnomAD 0.0009%). This premature translational stop signal has been observed in individual(s) with Alström syndrome (PMID: 17594715). This variant is also known as c.[10568_10569delAT]. ClinVar contains an entry for this variant (Variation ID: 977953). For these reasons, this variant has been classified as Pathogenic.

Blueprint Genetics
Classification: Pathogenic for ALMS1-related disorders. Last evaluated: 2023-05-26. Review status: criteria provided, single submitter. Criteria: ACMG Guidelines, 2015. Collection method: clinical testing. Allele origin: germline. Affected: yes. Observed: 3 variant alleles.

Fulgent Genetics
Classification: Pathogenic for Alstrom syndrome. Last evaluated: 2022-03-08. Review status: criteria provided, single submitter. Criteria: ACMG Guidelines, 2015. Collection method: clinical testing. Allele origin: unknown.

Laboratory of Genetics in Ophthalmology, Institut Imagine
Classification: Pathogenic for Alstrom syndrome. Review status: no assertion criteria provided. Collection method: research. Allele origin: inherited. Affected: yes. Observed: 1 variant allele. Not counted in ClinVar's aggregate classification.

Literature cited by the submitters: PubMed 17594715 (cited by Labcorp Genetics (formerly Invitae), Labcorp and Laboratory of Genetics in Ophthalmology, Institut Imagine).

NM_001378454.1(ALMS1):c.10566_10567del (p.His3522fs)

Gene: ALMS1 (ALMS1 centrosome and basal body associated protein; plus strand). Cytogenetic location: 2p13.1.
Variant type: Deletion.
Coding change: c.10566_10567del on transcript NM_001378454.1 (MANE Select); coding-DNA positions 10566 to 10567, 2 bases deleted (TA; older notation c.10566_10567delTA).
Protein change: p.His3522fs; shifts the reading frame from histidine 3522.
Molecular consequence: frameshift variant.
Genome position (GRCh38, 1-based): chr2:73,572,443-73,572,444, TA deleted; deleting any 2 consecutive bases within chr2:73,572,442-73,572,444 gives the same sequence; the c. name uses the placement nearest the transcript's 3' end. VCF-style (leftmost placement, unchanged base first): chr2-73572441-CAT-C. GRCh37 (hg19) VCF-style: chr2-73799568-CAT-C.
Other names: c.10569_10570del, p.His3523fs (NM_015120.4); short protein forms H3522fs, H3523fs.
Identifiers: ClinVar variation 977953 (VCV000977953.13), dbSNP rs1163532771, ClinGen allele CA534124643.